The following is an entry in ClinVar:

NM_018344.6(SLC29A3):c.1427A>G (p.Ter476Trp)

Gene: SLC29A3 (solute carrier family 29 member 3; plus strand). Cytogenetic location: 10q22.1.
Variant type: single nucleotide variant.
Coding change: c.1427A>G on transcript NM_018344.6 (MANE Select); coding-DNA position 1427, A replaced by G.
Protein change: p.Ter476Trp.
Molecular consequence: stop lost. On other transcripts: 3 prime UTR variant (1), non-coding transcript variant (2).
Genome position (GRCh38, 1-based): chr10:71,362,607, A>G. VCF-style: chr10-71362607-A-G. GRCh37 (hg19) VCF-style: chr10-73122364-A-G.
Other names: c.*656A>G (NM_001174098.2); c.1193A>G, p.Ter398Trp (NM_001363518.2); c.1427A>G (NM_018344.5).
Identifiers: ClinVar variation 1491125 (VCV001491125.7), dbSNP rs2131852506, ClinGen allele CA377118089.
Genomic context (GRCh38, chr10:71,362,607, plus strand): 5'-ATGTGTGCTTGGGCTTAACACTGGGCTCAGCCTGCTCTACCCTCCTGGTGCACCTCATCT[A>G]GAAGGGAGGACACAAGGACATTGGTGCTTCAGAGCCTTTGAAGATGAGAAGAGAGTGCAG-3'

ClinVar aggregate classification (germline): Uncertain significance. Review status: criteria provided, multiple submitters, no conflicts (2 of 4 stars). 2 submissions from 2 submitters: Uncertain significance (2). Last evaluated 2022-05-27.

Conditions:
H syndrome. Also called: Asrar Facharzt Haque syndrome; HISTIOCYTOSIS AND LYMPHADENOPATHY WITH OR WITHOUT CUTANEOUS, CARDIAC, AND/OR ENDOCRINE FEATURES, JOINT CONTRACTURES, AND/OR DEAFNESS; HYPERPIGMENTATION, CUTANEOUS, WITH HYPERTRICHOSIS, HEPATOSPLENOMEGALY, HEART ANOMALIES, AND HYPOGONADISM WITH OR WITHOUT HEARING LOSS; PIGMENTED HYPERTRICHOSIS WITH INSULIN-DEPENDENT DIABETES MELLITUS; ROSAI-DORFMAN DISEASE, FAMILIAL; SINUS HISTIOCYTOSIS AND MASSIVE LYMPHADENOPATHY. Identifiers: Orphanet 168569, MedGen C1864445, MONDO:0011273, OMIM 602782.

Submissions (2):

Clinical Genetics Laboratory, Skane University Hospital Lund
Classification: Uncertain significance. Last evaluated: 2022-05-27. Review status: criteria provided, single submitter. Criteria: ACMG Guidelines, 2015. Collection method: clinical testing. Allele origin: germline. Affected: yes.

Labcorp Genetics (formerly Invitae), Labcorp
Classification: Uncertain significance for H syndrome. Last evaluated: 2022-03-03. Review status: criteria provided, single submitter. Criteria: Invitae Variant Classification Sherloc (09022015). Collection method: clinical testing. Allele origin: germline.
Comment: In summary, the available evidence is currently insufficient to determine the role of this variant in disease. Therefore, it has been classified as a Variant of Uncertain Significance. This variant has not been reported in the literature in individuals affected with SLC29A3-related conditions. This variant is not present in population databases (gnomAD no frequency). This sequence change disrupts the translational stop signal of the SLC29A3 mRNA. It is expected to extend the length of the SLC29A3 protein by 30 additional amino acid residues.